The following is an entry in ClinVar:

ClinVar aggregate classification (germline): Pathogenic/Likely pathogenic. Review status: criteria provided, multiple submitters, no conflicts (2 of 4 stars). 4 submissions from 4 submitters: Pathogenic (2); Likely pathogenic (2). Last evaluated 2025-08-11.

Conditions:
Hereditary cancer-predisposing syndrome. Also called: Hereditary Cancer Syndrome; Tumor predisposition; Neoplastic Syndromes, Hereditary; Hereditary neoplastic syndrome. Identifiers: Orphanet 140162, MedGen C0027672, MeSH D009386, MONDO:0015356.
Pheochromocytoma/paraganglioma syndrome 4. Also called: CAROTID BODY TUMORS AND MULTIPLE EXTRAADRENAL PHEOCHROMOCYTOMAS; PARAGANGLIOMA, FAMILIAL MALIGNANT; PARAGANGLIOMAS, HEREDITARY EXTRAADRENAL; PHEOCHROMOCYTOMA, FAMILIAL EXTRAADRENAL; SDHB-Related Hereditary Paraganglioma-Pheochromocytoma Syndrome (Paragangliomas 4); Paragangliomas 4. Identifiers: Orphanet 29072, MedGen C1861848, MONDO:0007273, OMIM 115310.
Hereditary pheochromocytoma and paraganglioma. Also called: Hereditary Paraganglioma-Pheochromocytoma Syndromes; Hereditary paragangliomas and pheochromocytomas; Hereditary pheochromocytoma-paraganglioma. Identifiers: Orphanet 29072, MedGen C4274332, MONDO:0017366.
Gastrointestinal stromal tumor. Also called: Gastrointestinal stromal tumor, somatic; Gastrointestinal stroma tumor. Identifiers: Orphanet 44890, MedGen C0238198, MeSH D046152, MONDO:0011719, OMIM 606764, HP:0100723.
Pheochromocytoma. Also called: MAX-Related Hereditary Paraganglioma-Pheochromocytoma Syndrome. Identifiers: Orphanet 29072, MedGen C0031511, MONDO:0008233, OMIM 171300, HP:0002666.

gnomAD v4.1: 1 of 1,614,078 alleles (0.000062%); highest among the groups gnomAD compares: Non-Finnish European, 0.000085%; no homozygotes.

Submissions (4):

Labcorp Genetics (formerly Invitae), Labcorp
Classification: Pathogenic for Gastrointestinal stromal tumor; Pheochromocytoma/paraganglioma syndrome 4; Pheochromocytoma. Last evaluated: 2025-08-11. Review status: criteria provided, single submitter. Criteria: Invitae Variant Classification Sherloc (09022015). Collection method: clinical testing. Allele origin: germline.
Comment: This sequence change creates a premature translational stop signal (p.Trp200*) in the SDHB gene. It is expected to result in an absent or disrupted protein product. Loss-of-function variants in SDHB are known to be pathogenic (PMID: 19454582, 19802898). This variant is not present in population databases (gnomAD no frequency). This premature translational stop signal has been observed in individual(s) with paragangliomas and papillary thyroid cancer (PMID: 32741965). ClinVar contains an entry for this variant (Variation ID: 44646). For these reasons, this variant has been classified as Pathogenic.

Ambry Genetics
Classification: Pathogenic for Hereditary cancer-predisposing syndrome. Last evaluated: 2018-05-11. Review status: criteria provided, single submitter. Criteria: Ambry Variant Classification Scheme 2023. Collection method: clinical testing. Allele origin: germline.
Comment: The p.W200* pathogenic mutation (also known as c.600G>A), located in coding exon 6 of the SDHB gene, results from a G to A substitution at nucleotide position 600. This changes the amino acid from a tryptophan to a stop codon within coding exon 6. This alteration is expected to result in loss of function by premature protein truncation or nonsense-mediated mRNA decay. As such, this alteration is interpreted as a disease-causing mutation.

Center for Human Genetics, Inc
Classification: Likely pathogenic for Pheochromocytoma/paraganglioma syndrome 4. Last evaluated: 2016-11-01. Review status: criteria provided, single submitter. Criteria: ACMG Guidelines, 2015. Collection method: clinical testing. Allele origin: germline. Affected: yes.

Laboratory for Molecular Medicine, Mass General Brigham Personalized Medicine
Classification: Likely pathogenic for Hereditary pheochromocytoma and paraganglioma. Last evaluated: 2012-07-30. Review status: criteria provided, single submitter. Criteria: LMM Criteria. Collection method: clinical testing. Allele origin: germline. Observed: 1 variant allele.
Comment: The Trp200X variant in SDHB has not been previously reported in the literature n or previously identified by our laboratory. This nonsense variant is predicted t o result in a premature termination codon at position 200 and lead to a truncate d or absent protein. Heterozygous loss of function variants in the SDHB gene hav e been reported in patients with hereditary pheochromocytomas and paragangliomas (Neumann, 2002; Pasini and Stratakis, 2009). In summary, this variant is likely to be pathogenic, though segregation studies and functional analyses are requir ed to fully establish the pathogenicity of this variant.

Literature cited by the submitters: PubMed 19454582 (cited by Labcorp Genetics (formerly Invitae), Labcorp); PubMed 19802898 (cited by Labcorp Genetics (formerly Invitae), Labcorp); PubMed 32741965 (cited by Labcorp Genetics (formerly Invitae), Labcorp); PubMed 20505258 (cited by Laboratory for Molecular Medicine, Mass General Brigham Personalized Medicine); PubMed 22517554 (cited by Laboratory for Molecular Medicine, Mass General Brigham Personalized Medicine); PubMed 16405730 (cited by Laboratory for Molecular Medicine, Mass General Brigham Personalized Medicine); PubMed 12000816 (cited by Laboratory for Molecular Medicine, Mass General Brigham Personalized Medicine); PubMed 22429592 (cited by Laboratory for Molecular Medicine, Mass General Brigham Personalized Medicine); PubMed 22041710 (cited by Laboratory for Molecular Medicine, Mass General Brigham Personalized Medicine); PubMed 19522823 (cited by Laboratory for Molecular Medicine, Mass General Brigham Personalized Medicine).

NM_003000.3(SDHB):c.600G>A (p.Trp200Ter)

Gene: SDHB (succinate dehydrogenase complex iron sulfur subunit B; minus strand). Cytogenetic location: 1p36.13.
Variant type: single nucleotide variant.
Coding change: c.600G>A on transcript NM_003000.3 (MANE Select); coding-DNA position 600, G replaced by A.
Protein change: p.Trp200Ter; replaces tryptophan 200 with a stop codon.
Molecular consequence: nonsense.
Genome position (GRCh38, 1-based): chr1:17,024,015, C>T on the plus strand (G>A on the coding strand, the complement: SDHB is on the minus strand). VCF-style: chr1-17024015-C-T. GRCh37 (hg19) VCF-style: chr1-17350510-C-T.
Other names: short protein forms W200*.
Identifiers: ClinVar variation 44646 (VCV000044646.15), dbSNP rs397516836, ClinGen allele CA016011.